The following is an entry in ClinVar:

ClinVar aggregate classification (germline): Benign. Review status: criteria provided, multiple submitters, no conflicts (2 of 4 stars). 4 submissions from 4 submitters: Benign (3). 1 of the submissions does not count toward it. Last evaluated 2026-01-26.

Allele frequency attached by ClinVar (database versions not stated): TOPMed 0.00962; 1000 Genomes Project 30x 0.00984; 1000 Genomes Project 0.01058; gnomAD 0.01182 and 0.01245; ESP Exome Variant Server 0.01231; gnomAD exomes 0.01560 and 0.01715; ExAC 0.01695.
gnomAD v4.1: 26,781 of 1,613,670 alleles (1.7%); highest among the groups gnomAD compares: South Asian, 3.9%; 328 homozygotes.

Submissions (4):

Labcorp Genetics (formerly Invitae), Labcorp
Classification: Benign. Last evaluated: 2026-01-26. Review status: criteria provided, single submitter. Criteria: Invitae Variant Classification Sherloc (09022015). Collection method: clinical testing. Allele origin: germline.

GeneDx
Classification: Benign. Last evaluated: 2016-11-01. Review status: criteria provided, single submitter. Criteria: GeneDx Variant Classification (06012015). Collection method: clinical testing. Allele origin: germline. Affected: yes.
Comment: This variant is considered likely benign or benign based on one or more of the following criteria: it is a conservative change, it occurs at a poorly conserved position in the protein, it is predicted to be benign by multiple in silico algorithms, and/or has population frequency not consistent with disease.

Breakthrough Genomics
Classification: Benign. Review status: criteria provided, single submitter. Criteria: ACMG Guidelines, 2015. Collection method: not provided. Allele origin: germline. Inheritance: Autosomal recessive inheritance. Affected: yes.

Genetic Services Laboratory, University of Chicago
Classification: Likely benign for AllHighlyPenetrant. Review status: no assertion criteria provided. Collection method: clinical testing. Allele origin: germline. Inheritance: Autosomal recessive inheritance. Not counted in ClinVar's aggregate classification.
Comment: Likely benign based on allele frequency in 1000 Genomes Project or ESP global frequency and its presence in a patient with a rare or unrelated disease phenotype. NOT Sanger confirmed.

NM_173630.4(RTTN):c.1842A>G (p.Glu614=)

Gene: RTTN (rotatin; minus strand). Cytogenetic location: 18q22.2.
Variant type: single nucleotide variant.
Coding change: c.1842A>G on transcript NM_173630.4 (MANE Select); coding-DNA position 1842, A replaced by G.
Protein change: p.Glu614=; no amino-acid change (glutamic acid 614 retained).
Molecular consequence: synonymous variant. On other transcripts: 5 prime UTR variant (1).
Genome position (GRCh38, 1-based): chr18:70,166,149, T>C on the plus strand (A>G on the coding strand, the complement: RTTN is on the minus strand). VCF-style: chr18-70166149-T-C. GRCh37 (hg19) VCF-style: chr18-67833385-T-C.
Other names: c.-806A>G (NM_001318520.2).
Identifiers: ClinVar variation 130167 (VCV000130167.14), dbSNP rs140245773, ClinGen allele CA154988.